The following is an entry in ClinVar:

NM_152383.5(DIS3L2):c.1703A>G (p.Gln568Arg)

Gene: DIS3L2 (DIS3 like 3'-5' exoribonuclease 2; plus strand). Cytogenetic location: 2q37.1.
Variant type: single nucleotide variant.
Coding change: c.1703A>G on transcript NM_152383.5 (MANE Select); coding-DNA position 1703, A replaced by G.
Protein change: p.Gln568Arg; replaces glutamine 568 with arginine.
Molecular consequence: missense variant. On other transcripts: non-coding transcript variant (2), intron variant (1).
Genome position (GRCh38, 1-based): chr2:232,300,083, A>G. VCF-style: chr2-232300083-A-G. GRCh37 (hg19) VCF-style: chr2-233164793-A-G.
Other names: c.1581+36721A>G (NM_001257281.2); short protein forms Q568R.
Identifiers: ClinVar variation 463067 (VCV000463067.9), dbSNP rs1296826867, ClinGen allele CA350978608.
Genomic context (GRCh38, chr2:232,300,083, plus strand): 5'-CTTCTCTCTCTCTTCAGCTAAAGCTTGCTTTCACTCTGGACCACGAGACCGGATTGCCTC[A>G]AGGATGTCATATCTATGAGTACCGCGAGAGCAACAAGTAAGCCACTCAGTGGGAAAGAGT-3'
Protein context (NP_689596.4, residues 558-578): FTLDHETGLP[Gln568Arg]GCHIYEYRES

ClinVar aggregate classification (germline): Uncertain significance. Review status: criteria provided, multiple submitters, no conflicts (2 of 4 stars). 3 submissions from 3 submitters: Uncertain significance (3). Last evaluated 2025-11-10.

Conditions:
Inborn genetic diseases. Identifiers: MedGen C0950123, MeSH D030342.
Perlman syndrome (PRLMNS). Identifiers: Orphanet 2849, MedGen C0796113, MONDO:0009965, OMIM 267000.

Allele frequency attached by ClinVar (database versions not stated): gnomAD exomes below 0.00001; TOPMed below 0.00001.
gnomAD v4.1: 4 of 1,613,880 alleles (0.00025%); highest among the groups gnomAD compares: Non-Finnish European, 0.00025%; no homozygotes.

Submissions (3):

Labcorp Genetics (formerly Invitae), Labcorp
Classification: Uncertain significance for Perlman syndrome. Last evaluated: 2025-11-10. Review status: criteria provided, single submitter. Criteria: Invitae Variant Classification Sherloc (09022015). Collection method: clinical testing. Allele origin: germline.
Comment: This sequence change replaces glutamine, which is neutral and polar, with arginine, which is basic and polar, at codon 568 of the DIS3L2 protein (p.Gln568Arg). This variant is present in population databases (no rsID available, gnomAD no frequency). This variant has not been reported in the literature in individuals affected with DIS3L2-related conditions. ClinVar contains an entry for this variant (Variation ID: 463067). Invitae Evidence Modeling of protein sequence and biophysical properties (such as structural, functional, and spatial information, amino acid conservation, physicochemical variation, residue mobility, and thermodynamic stability) indicates that this missense variant is not expected to disrupt DIS3L2 protein function with a negative predictive value of 80%. In summary, the available evidence is currently insufficient to determine the role of this variant in disease. Therefore, it has been classified as a Variant of Uncertain Significance.

Ambry Genetics
Classification: Uncertain significance for Inborn genetic diseases. Last evaluated: 2023-10-06. Review status: criteria provided, single submitter. Criteria: Ambry Variant Classification Scheme 2023. Collection method: clinical testing. Allele origin: germline.

Baylor Genetics
Classification: Uncertain significance for Perlman syndrome. Last evaluated: 2018-10-30. Review status: criteria provided, single submitter. Criteria: ACMG Guidelines, 2015. Collection method: clinical testing. Allele origin: paternal. Affected: yes. Study: CSER-TexasKidsCanSeq.
Comment: This variant was determined to be of uncertain significance according to ACMG Guidelines, 2015 [PMID:25741868].